The following is an entry in ClinVar:

NM_001369.3(DNAH5):c.8633C>T (p.Ala2878Val)

Gene: DNAH5 (dynein axonemal heavy chain 5; minus strand). Cytogenetic location: 5p15.2.
Variant type: single nucleotide variant.
Coding change: c.8633C>T on transcript NM_001369.3 (MANE Select); coding-DNA position 8633, C replaced by T.
Protein change: p.Ala2878Val; replaces alanine 2878 with valine.
Molecular consequence: missense variant.
Genome position (GRCh38, 1-based): chr5:13,788,730, G>A on the plus strand (C>T on the coding strand, the complement: DNAH5 is on the minus strand). VCF-style: chr5-13788730-G-A. GRCh37 (hg19) VCF-style: chr5-13788839-G-A.
Other names: short protein forms A2878V.
Identifiers: ClinVar variation 1021237 (VCV001021237.9), dbSNP rs1756476635, ClinGen allele CA359216897.

ClinVar aggregate classification (germline): Uncertain significance (1 of 4 stars; one submission).

Conditions:
Primary ciliary dyskinesia. Also called: Ciliary dyskinesia. Identifiers: Orphanet 244, MedGen C0008780, MONDO:0016575, HP:0012265.

Allele frequency attached by ClinVar (database versions not stated): gnomAD exomes below 0.00001; TOPMed below 0.00001.
gnomAD v4.1: 1 of 1,613,864 alleles (0.000062%); highest among the groups gnomAD compares: Non-Finnish European, 0.000085%; no homozygotes.

Submission:

Labcorp Genetics (formerly Invitae), Labcorp
Classification: Uncertain significance for Primary ciliary dyskinesia. Last evaluated: 2020-05-15. Review status: criteria provided, single submitter. Criteria: Invitae Variant Classification Sherloc (09022015). Collection method: clinical testing. Allele origin: germline.
Comment: In summary, the available evidence is currently insufficient to determine the role of this variant in disease. Therefore, it has been classified as a Variant of Uncertain Significance. Algorithms developed to predict the effect of sequence changes on RNA splicing suggest that this variant may create or strengthen a splice site, but this prediction has not been confirmed by published transcriptional studies. Algorithms developed to predict the effect of missense changes on protein structure and function are either unavailable or do not agree on the potential impact of this missense change (SIFT: "Deleterious"; PolyPhen-2: "Possibly Damaging"; Align-GVGD: "Class C0"). This variant has not been reported in the literature in individuals with DNAH5-related conditions. This variant is not present in population databases (ExAC no frequency). This sequence change replaces alanine with valine at codon 2878 of the DNAH5 protein (p.Ala2878Val). The alanine residue is highly conserved and there is a small physicochemical difference between alanine and valine.